The following is an entry in ClinVar:

NM_004625.4(WNT7A):c.470G>A (p.Arg157His)

Genes: WNT7A (Wnt family member 7A; minus strand), LOC126806608 (P300/CBP strongly-dependent group 1 enhancer GRCh37_chr3:13895244-13896443; plus strand). Cytogenetic location: 3p25.1.
Variant type: single nucleotide variant.
Coding change: c.470G>A on transcript NM_004625.4 (MANE Select); coding-DNA position 470, G replaced by A.
Protein change: p.Arg157His; replaces arginine 157 with histidine.
Molecular consequence: missense variant.
Genome position (GRCh38, 1-based): chr3:13,854,632, C>T on the plus strand (G>A on the coding strand, the complement: WNT7A is on the minus strand). VCF-style: chr3-13854632-C-T. GRCh37 (hg19) VCF-style: chr3-13896129-C-T.
Other names: short protein forms R157H.
Identifiers: ClinVar variation 1050186 (VCV001050186.10), dbSNP rs199592697, ClinGen allele CA2266434.
Genomic context (GRCh38, chr3:13,854,632, plus strand): 5'-CGGGCATTCTGCTTGATCTCCCGGGCATCCACAAAGACCTTGGCGAAGCCGATGCCGTAG[C>T]GGATGTCGGCAGAGCAGCCACCCCACTTCCAGCCCTCGTCCCGGTGGTACTGGCCTTGCT-3'
Protein context (NP_004616.2, residues 147-167): WKWGGCSADI[Arg157His]YGIGFAKVFV

ClinVar aggregate classification (germline): Conflicting classifications of pathogenicity. Review status: criteria provided, conflicting classifications (1 of 4 stars). 3 submissions from 3 submitters: Uncertain significance (1); Likely benign (1). 1 of the submissions does not count toward it. Last evaluated 2024-09-27.

Conditions:
Fuhrmann syndrome. Identifiers: Orphanet 2854, MedGen C1856728, MONDO:0009232, OMIM 228930.

Allele frequency attached by ClinVar (database versions not stated): gnomAD 0.00011; TOPMed 0.00011; gnomAD exomes 0.00017; ExAC 0.00018; 1000 Genomes Project 0.00020; 1000 Genomes Project 30x 0.00031.

Submissions (3):

Labcorp Genetics (formerly Invitae), Labcorp
Classification: Likely benign. Last evaluated: 2024-09-27. Review status: criteria provided, single submitter. Criteria: Invitae Variant Classification Sherloc (09022015). Collection method: clinical testing. Allele origin: germline.

Victorian Clinical Genetics Services, Murdoch Childrens Research Institute
Classification: Uncertain significance for Fuhrmann syndrome. Last evaluated: 2020-05-21. Review status: criteria provided, single submitter. Criteria: ACMG Guidelines, 2015. Collection method: clinical testing. Allele origin: germline. Inheritance: Autosomal recessive inheritance.
Comment: A heterozygous missense variant was identified, NM_004625.3(WNT7A):c.470G>A in exon 3 of 4 of the WNT7A gene. This substitution is predicted to create a minor amino acid change from an arginine to a histidine at position 157 of the protein; NP_004616.2(WNT7A):p.(Arg157His). The arginine at this position has high conservation (100 vertebrates, UCSC), and is located within the WNT superfamily (NCBI). In silico software predictions of the pathogenicity of this variant are conflicting (Polyphen, SIFT, CADD, Mutation Taster). The variant is present in the gnomAD population database at a global population frequency of 0.018% (50 heterozygotes, 0 homozygotes) with a European sub-population frequency of 0.022%. Two alternative residue changes at the same location has been reported in the gnomAD database at a frequency of 0.0011% and 0.0004% respectively. This variant has not previously been reported in clinical cases. Based on information available at the time of curation, this variant has been classified as a VUS.

Department of Pathology and Laboratory Medicine, Sinai Health System
Classification: Uncertain significance. Review status: no assertion criteria provided. Collection method: clinical testing. Allele origin: unknown. Affected: yes. Study: The Canadian Open Genetics Repository (COGR). Not counted in ClinVar's aggregate classification.
Comment: The WNT7A p.Arg157His variant was not identified in the literature nor was it identified in ClinVar or LOVD 3.0. The variant was identified in dbSNP (ID: rs199592697) and in control databases in 50 of 282720 chromosomes at a frequency of 0.0001769 (Genome Aggregation Database March 6, 2019, v2.1.1). The variant was observed in the following populations: Other in 7 of 7222 chromosomes (freq: 0.000969), South Asian in 7 of 30616 chromosomes (freq: 0.000229), European (non-Finnish) in 29 of 129074 chromosomes (freq: 0.000225), Latino in 5 of 35440 chromosomes (freq: 0.000141) and European (Finnish) in 2 of 25098 chromosomes (freq: 0.00008), but was not observed in the African, Ashkenazi Jewish, or East Asian populations. The p.Arg157 residue is conserved in mammals but not in more distantly related organisms however four out of five computational analyses (PolyPhen-2, SIFT, AlignGVGD, BLOSUM, MutationTaster) do not suggest a high likelihood of impact to the protein; this information is not predictive enough to rule out pathogenicity. The variant occurs outside of the splicing consensus sequence and in silico or computational prediction software programs (SpliceSiteFinder, MaxEntScan, NNSPLICE, GeneSplicer) do not predict a difference in splicing. In summary, based on the above information the clinical significance of this variant cannot be determined with certainty at this time. This variant is classified as a variant of uncertain significance.